The following is an entry in ClinVar:

ClinVar aggregate classification (germline): Uncertain significance. Review status: criteria provided, multiple submitters, no conflicts (2 of 4 stars). 2 submissions from 2 submitters: Uncertain significance (2). Last evaluated 2024-06-28.

Conditions:
Hereditary cancer-predisposing syndrome. Also called: Tumor predisposition; Hereditary Cancer Syndrome; Hereditary neoplastic syndrome; Neoplastic Syndromes, Hereditary. Identifiers: Orphanet 140162, MedGen C0027672, MeSH D009386, MONDO:0015356.
Hereditary papillary renal cell carcinoma. Identifiers: Orphanet 47044, MedGen C0879257, MONDO:0003789.

Submissions (2):

Molecular Pathology, Peter Maccallum Cancer Centre
Classification: Uncertain significance for Hereditary papillary renal cell carcinoma. Last evaluated: 2024-06-28. Review status: criteria provided, single submitter. Criteria: ACMG Guidelines, 2015. Collection method: clinical testing. Allele origin: germline. Inheritance: Autosomal dominant inheritance.

Ambry Genetics
Classification: Uncertain significance for Hereditary cancer-predisposing syndrome. Last evaluated: 2024-05-31. Review status: criteria provided, single submitter. Criteria: Ambry Variant Classification Scheme 2023. Collection method: clinical testing. Allele origin: germline.
Comment: The p.R1022* variant (also known as c.3064C>T), located in coding exon 13 of the MET gene, results from a C to T substitution at nucleotide position 3064. This changes the amino acid from an arginine to a stop codon within coding exon 13. This alteration is expected to result in protein truncation or nonsense-mediated mRNA decay. However, loss of function of MET has not been established as a mechanism of disease. Based on the available evidence, the clinical significance of this alteration remains unclear.

NM_000245.4(MET):c.3010C>T (p.Arg1004Ter)

Gene: MET (MET proto-oncogene, receptor tyrosine kinase; plus strand). Cytogenetic location: 7q31.2.
Variant type: single nucleotide variant.
Coding change: c.3010C>T on transcript NM_000245.4 (MANE Select); coding-DNA position 3010, C replaced by T.
Protein change: p.Arg1004Ter; replaces arginine 1004 with a stop codon.
Molecular consequence: nonsense.
Genome position (GRCh38, 1-based): chr7:116,771,971, C>T. VCF-style: chr7-116771971-C-T. GRCh37 (hg19) VCF-style: chr7-116412025-C-T.
Other names: c.3010C>T (NM_000245.2); c.3064C>T, p.Arg1022Ter (NM_001127500.3); c.1720C>T, p.Arg574Ter (NM_001324402.2); short protein forms R574*, R1004*, R1022*.
Identifiers: ClinVar variation 3294308 (VCV003294308.2).